The following is an entry in ClinVar:

ClinVar aggregate classification (germline): Likely benign (1 of 4 stars; one submission).

gnomAD v4.1: 1 of 1,210,266 alleles (0.000083%); highest among the groups gnomAD compares: Non-Finnish European, 0.00011%; no homozygotes.

Submission:

CeGaT Center for Human Genetics Tuebingen
Classification: Likely benign. Last evaluated: 2023-04-01. Review status: criteria provided, single submitter. Criteria: CeGaT Center For Human Genetics Tuebingen Variant Classification Criteria Version 2. Collection method: clinical testing. Allele origin: germline. Affected: yes. Observed: 1 variant allele.
Comment: BEND2: BP4, BP7

NM_153346.5(BEND2):c.966A>C (p.Pro322=)

Gene: BEND2 (BEN domain containing 2; minus strand). Cytogenetic location: Xp22.13.
Variant type: single nucleotide variant.
Coding change: c.966A>C on transcript NM_153346.5 (MANE Select); coding-DNA position 966, A replaced by C.
Protein change: p.Pro322=; no amino-acid change (proline 322 retained).
Molecular consequence: synonymous variant. On other transcripts: intron variant (1).
Genome position (GRCh38, 1-based): chrX:18,201,882, T>G on the plus strand (A>C on the coding strand, the complement: BEND2 is on the minus strand). VCF-style: chrX-18201882-T-G. GRCh37 (hg19) VCF-style: chrX-18220002-T-G.
Other names: c.907+1619A>C (NM_001184767.2).
Identifiers: ClinVar variation 2660097 (VCV002660097.24), dbSNP rs1569124677, ClinGen allele CA515468933.